The following is an entry in ClinVar:

NM_002907.4(RECQL):c.1069C>T (p.His357Tyr)

Gene: RECQL (RecQ like helicase; minus strand). Cytogenetic location: 12p12.1.
Variant type: single nucleotide variant.
Coding change: c.1069C>T on transcript NM_002907.4 (MANE Select); coding-DNA position 1069, C replaced by T.
Protein change: p.His357Tyr; replaces histidine 357 with tyrosine.
Molecular consequence: missense variant.
Genome position (GRCh38, 1-based): chr12:21,475,705, G>A on the plus strand (C>T on the coding strand, the complement: RECQL is on the minus strand). VCF-style: chr12-21475705-G-A. GRCh37 (hg19) VCF-style: chr12-21628639-G-A.
Other names: c.1069C>T, p.His357Tyr (NM_032941.3); short protein forms H357Y.
Identifiers: ClinVar variation 1450347 (VCV001450347.13), dbSNP rs377215617, ClinGen allele CA6478872.

ClinVar aggregate classification (germline): Uncertain significance. Review status: criteria provided, multiple submitters, no conflicts (2 of 4 stars). 3 submissions from 3 submitters: Uncertain significance (3). Last evaluated 2025-01-17.

Allele frequency attached by ClinVar (database versions not stated): gnomAD 0.00001; ESP Exome Variant Server 0.00008; ExAC 0.00001; gnomAD exomes below 0.00001 and 0.00002; TOPMed 0.00001.

Submissions (3):

Ambry Genetics
Classification: Uncertain significance. Last evaluated: 2025-01-17. Review status: criteria provided, single submitter. Criteria: Ambry Variant Classification Scheme 2023. Collection method: clinical testing. Allele origin: germline.
Comment: The p.H357Y variant (also known as c.1069C>T), located in coding exon 8 of the RECQL gene, results from a C to T substitution at nucleotide position 1069. The histidine at codon 357 is replaced by tyrosine, an amino acid with similar properties. This amino acid position is highly conserved in available vertebrate species. In addition, the in silico prediction for this alteration is inconclusive. Since supporting evidence is limited at this time, the clinical significance of this alteration remains unclear.

Labcorp Genetics (formerly Invitae), Labcorp
Classification: Uncertain significance. Last evaluated: 2024-10-15. Review status: criteria provided, single submitter. Criteria: Invitae Variant Classification Sherloc (09022015). Collection method: clinical testing. Allele origin: germline.
Comment: This sequence change replaces histidine, which is basic and polar, with tyrosine, which is neutral and polar, at codon 357 of the RECQL protein (p.His357Tyr). The frequency data for this variant in the population databases is considered unreliable, as metrics indicate poor data quality at this position in the gnomAD database. This variant has not been reported in the literature in individuals affected with RECQL-related conditions. ClinVar contains an entry for this variant (Variation ID: 1450347). Invitae Evidence Modeling of protein sequence and biophysical properties (such as structural, functional, and spatial information, amino acid conservation, physicochemical variation, residue mobility, and thermodynamic stability) indicates that this missense variant is not expected to disrupt RECQL protein function with a negative predictive value of 80%. In summary, the available evidence is currently insufficient to determine the role of this variant in disease. Therefore, it has been classified as a Variant of Uncertain Significance.

GeneDx
Classification: Uncertain significance. Last evaluated: 2023-03-20. Review status: criteria provided, single submitter. Criteria: GeneDx Variant Classification Process June 2021. Collection method: clinical testing. Allele origin: germline.
Comment: Not observed at significant frequency in large population cohorts (gnomAD); In silico analysis supports that this missense variant has a deleterious effect on protein structure/function; Has not been previously published as pathogenic or benign to our knowledge; Variants in candidate genes are classified as variants of uncertain significance in accordance with ACMG guidelines (Richards et al., 2015); This variant is associated with the following publications: (PMID: 27248010, 19151156, 26455304, 24429703)